The following is an entry in ClinVar:

NM_001366145.2(TRPM3):c.4100G>C (p.Ser1367Thr)

Genes: KLF9-DT (KLF9 divergent transcript; plus strand), TRPM3 (transient receptor potential cation channel subfamily M member 3; minus strand). Cytogenetic location: 9q21.12.
Variant type: single nucleotide variant.
Coding change: c.4100G>C on transcript NM_001366145.2 (MANE Select); coding-DNA position 4100, G replaced by C.
Protein change: p.Ser1367Thr; replaces serine 1367 with threonine.
Molecular consequence: missense variant. On other transcripts: intron variant (8).
Genome position (GRCh38, 1-based): chr9:70,537,013, C>G on the plus strand (G>C on the coding strand, the complement: TRPM3 is on the minus strand). VCF-style: chr9-70537013-C-G. GRCh37 (hg19) VCF-style: chr9-73151929-C-G.
Other names: c.4064G>C, p.Ser1355Thr (NM_001007471.4); c.4070G>C, p.Ser1357Thr (NM_001366141.2, NM_001366149.2); c.4175G>C, p.Ser1392Thr (NM_001366147.2); c.3605G>C, p.Ser1202Thr (NM_020952.6); c.3641G>C, p.Ser1214Thr (NM_024971.7); c.3575G>C, p.Ser1192Thr (NM_206944.5); c.3611G>C, p.Ser1204Thr (NM_206945.5); c.3680G>C, p.Ser1227Thr (NM_206946.5); and 9 more; short protein forms S1192T, S1202T, S1204T, S1214T, S1217T, S1227T, S1355T, S1357T.
Identifiers: ClinVar variation 2576899 (VCV002576899.1), dbSNP rs2538014637, ClinGen allele CA373551048.

ClinVar aggregate classification (germline): Uncertain significance (1 of 4 stars; one submission).

Submission:

GeneDx
Classification: Uncertain significance. Last evaluated: 2023-02-17. Review status: criteria provided, single submitter. Criteria: GeneDx Variant Classification Process June 2021. Collection method: clinical testing. Allele origin: germline. Affected: yes.
Comment: Not observed at significant frequency in large population cohorts (gnomAD); In silico analysis supports that this missense variant does not alter protein structure/function; This variant is associated with the following publications: (PMID: 35146895, 34074259)